The following is an entry in ClinVar:

ClinVar aggregate classification (germline): Uncertain significance (1 of 4 stars; one submission).

gnomAD v4.1: 1 of 1,549,848 alleles (0.000065%); highest among the groups gnomAD compares: Non-Finnish European, 0.000088%; no homozygotes.

Submission:

GeneDx
Classification: Uncertain significance. Last evaluated: 2022-07-25. Review status: criteria provided, single submitter. Criteria: GeneDx Variant Classification Process June 2021. Collection method: clinical testing. Allele origin: germline. Affected: yes.
Comment: Not observed at significant frequency in large population cohorts (gnomAD); Has not been previously published as pathogenic or benign to our knowledge; In silico analysis suggests this variant may impact gene splicing. In the absence of RNA/functional studies, the actual effect of this sequence change is unknown.

NM_015100.4(POGZ):c.1927-3C>A

Gene: POGZ (pogo transposable element derived with ZNF domain; minus strand). Cytogenetic location: 1q21.3.
Variant type: single nucleotide variant.
Coding change: c.1927-3C>A on transcript NM_015100.4 (MANE Select); 3 bases into the intron before coding-DNA position 1927, C replaced by A.
Molecular consequence: intron variant.
Genome position (GRCh38, 1-based): chr1:151,408,831, G>T on the plus strand (C>A on the coding strand, the complement: POGZ is on the minus strand). VCF-style: chr1-151408831-G-T. GRCh37 (hg19) VCF-style: chr1-151381307-G-T.
Other names: c.1741-3C>A (NM_001194938.2); c.1642-3C>A (NM_145796.4); c.1900-3C>A (NM_001194937.2); c.1768-3C>A (NM_207171.2).
Identifiers: ClinVar variation 2413068 (VCV002413068.3), dbSNP rs2529249071, ClinGen allele CA2574056155.